The following is an entry in ClinVar:

ClinVar aggregate classification (germline): Uncertain significance (1 of 4 stars; one submission).

Submission:

Labcorp Genetics (formerly Invitae), Labcorp
Classification: Uncertain significance. Last evaluated: 2025-01-21. Review status: criteria provided, single submitter. Criteria: Invitae Variant Classification Sherloc (09022015). Collection method: clinical testing. Allele origin: germline.
Comment: This sequence change replaces valine, which is neutral and non-polar, with isoleucine, which is neutral and non-polar, at codon 90 of the KLHDC8B protein (p.Val90Ile). This variant is not present in population databases (gnomAD no frequency). This variant has not been reported in the literature in individuals affected with KLHDC8B-related conditions. An algorithm developed to predict the effect of missense changes on protein structure and function (PolyPhen-2) suggests that this variant is likely to be tolerated. In summary, the available evidence is currently insufficient to determine the role of this variant in disease. Therefore, it has been classified as a Variant of Uncertain Significance.

NM_173546.3(KLHDC8B):c.268G>A (p.Val90Ile)

Gene: KLHDC8B (kelch domain containing 8B; plus strand). Cytogenetic location: 3p21.31.
Variant type: single nucleotide variant.
Coding change: c.268G>A on transcript NM_173546.3 (MANE Select); coding-DNA position 268, G replaced by A.
Protein change: p.Val90Ile; replaces valine 90 with isoleucine.
Molecular consequence: missense variant.
Genome position (GRCh38, 1-based): chr3:49,173,037, G>A. VCF-style: chr3-49173037-G-A. GRCh37 (hg19) VCF-style: chr3-49210470-G-A.
Other names: short protein forms V90I.
Identifiers: ClinVar variation 3729277 (VCV003729277.2).